The following is an entry in ClinVar:

ClinVar aggregate classification (germline): Uncertain significance (1 of 4 stars; one submission).

Submission:

GeneDx
Classification: Uncertain significance. Last evaluated: 2026-02-03. Review status: criteria provided, single submitter. Criteria: GeneDx Variant Classification Process June 2021. Collection method: clinical testing. Allele origin: germline.
Comment: Not observed at significant frequency in large population cohorts (gnomAD); In silico analysis supports that this missense variant has a deleterious effect on protein structure/function; Has not been previously published as pathogenic or benign to our knowledge; This substitution is predicted to be within the intracellular loop between the S4 and S5 transmembrane segments of the second homologous domain

NM_001330260.2(SCN8A):c.2579C>A (p.Thr860Asn)

Gene: SCN8A (sodium voltage-gated channel alpha subunit 8; plus strand). Cytogenetic location: 12q13.13.
Variant type: single nucleotide variant.
Coding change: c.2579C>A on transcript NM_001330260.2 (MANE Select); coding-DNA position 2579, C replaced by A.
Protein change: p.Thr860Asn; replaces threonine 860 with asparagine.
Molecular consequence: missense variant.
Genome position (GRCh38, 1-based): chr12:51,765,705, C>A. VCF-style: chr12-51765705-C-A. GRCh37 (hg19) VCF-style: chr12-52159489-C-A.
Other names: c.2579C>A, p.Thr860Asn (NM_001177984.3, NM_001369788.1, NM_014191.4); short protein forms T860N.
Identifiers: ClinVar variation 4976181 (VCV004976181.1).